The following is an entry in ClinVar:

NM_002471.4(MYH6):c.3551C>T (p.Thr1184Met)

Gene: MYH6 (myosin heavy chain 6; minus strand). Cytogenetic location: 14q11.2.
Variant type: single nucleotide variant.
Coding change: c.3551C>T on transcript NM_002471.4 (MANE Select); coding-DNA position 3551, C replaced by T.
Protein change: p.Thr1184Met; replaces threonine 1184 with methionine.
Molecular consequence: missense variant.
Genome position (GRCh38, 1-based): chr14:23,390,238, G>A on the plus strand (C>T on the coding strand, the complement: MYH6 is on the minus strand). VCF-style: chr14-23390238-G-A. GRCh37 (hg19) VCF-style: chr14-23859447-G-A.
Other names: c.3551C>T (NM_002471.3); short protein forms T1184M.
Identifiers: ClinVar variation 3158202 (VCV003158202.4), dbSNP rs112883817, ClinGen allele CA7115147.

ClinVar aggregate classification (germline): Uncertain significance. Review status: criteria provided, multiple submitters, no conflicts (2 of 4 stars). 2 submissions from 2 submitters: Uncertain significance (2). Last evaluated 2025-12-29.

Conditions:
Cardiovascular phenotype. Identifiers: MedGen CN230736.
Hypertrophic cardiomyopathy 14. Identifiers: MedGen C2750467, MONDO:0013197, OMIM 613251.

Allele frequency attached by ClinVar (database versions not stated): gnomAD exomes 0.00001; ExAC 0.00001.
gnomAD v4.1: 45 of 1,583,952 alleles (0.0028%); highest among the groups gnomAD compares: Non-Finnish European, 0.0037%; no homozygotes.

Submissions (2):

Labcorp Genetics (formerly Invitae), Labcorp
Classification: Uncertain significance for Hypertrophic cardiomyopathy 14. Last evaluated: 2025-12-29. Review status: criteria provided, single submitter. Criteria: Invitae Variant Classification Sherloc (09022015). Collection method: clinical testing. Allele origin: germline.
Comment: This sequence change replaces threonine, which is neutral and polar, with methionine, which is neutral and non-polar, at codon 1184 of the MYH6 protein (p.Thr1184Met). The frequency data for this variant in the population databases is considered unreliable, as metrics indicate poor data quality at this position in the gnomAD database. This variant has not been reported in the literature in individuals affected with MYH6-related conditions. ClinVar contains an entry for this variant (Variation ID: 3158202). Invitae Evidence Modeling of protein sequence and biophysical properties (such as structural, functional, and spatial information, amino acid conservation, physicochemical variation, residue mobility, and thermodynamic stability) indicates that this missense variant is not expected to disrupt MYH6 protein function with a negative predictive value of 80%. In summary, the available evidence is currently insufficient to determine the role of this variant in disease. Therefore, it has been classified as a Variant of Uncertain Significance.

Ambry Genetics
Classification: Uncertain significance for Cardiovascular phenotype. Last evaluated: 2024-06-11. Review status: criteria provided, single submitter. Criteria: Ambry Variant Classification Scheme 2023. Collection method: clinical testing. Allele origin: germline.
Comment: The p.T1184M variant (also known as c.3551C>T), located in coding exon 24 of the MYH6 gene, results from a C to T substitution at nucleotide position 3551. The threonine at codon 1184 is replaced by methionine, an amino acid with similar properties. This amino acid position is conserved. In addition, the in silico prediction for this alteration is inconclusive. Based on the available evidence, the clinical significance of this variant remains unclear.